The following is an entry in ClinVar:

ClinVar aggregate classification (germline): Uncertain significance (1 of 4 stars; one submission).

Submission:

GeneDx
Classification: Uncertain significance. Last evaluated: 2016-12-22. Review status: criteria provided, single submitter. Criteria: GeneDx Variant Classification (06012015). Collection method: clinical testing. Allele origin: germline. Affected: yes.
Comment: The N213Y variant in the F9 gene has not been reported previously as a pathogenic variant, nor as a benign variant, to our knowledge. The N213Y variant was not observed in approximately 6,500 individuals of European and African American ancestry in the NHLBI Exome Sequencing Project, indicating it is not a common benign variant in these populations. The N213Y variant is a semi-conservative amino acid substitution, which may impact secondary protein structure as these residues differ in some properties. This substitution occurs at a position that is not conserved. In silico analysis is inconsistent in its predictions as to whether or not the variant is damaging to the protein structure/function. We interpret N213Y as a variant of uncertain significance.

NM_000133.4(F9):c.637A>T (p.Asn213Tyr)

Gene: F9 (coagulation factor IX; plus strand). Cytogenetic location: Xq27.1.
Variant type: single nucleotide variant.
Coding change: c.637A>T on transcript NM_000133.4 (MANE Select); coding-DNA position 637, A replaced by T.
Protein change: p.Asn213Tyr; replaces asparagine 213 with tyrosine.
Molecular consequence: missense variant.
Genome position (GRCh38, 1-based): chrX:139,551,178, A>T. VCF-style: chrX-139551178-A-T. GRCh37 (hg19) VCF-style: chrX-138633337-A-T.
Other names: c.523A>T, p.Asn175Tyr (NM_001313913.2); short protein forms N213Y, N175Y.
Identifiers: ClinVar variation 391981 (VCV000391981.2), dbSNP rs1057524310, ClinGen allele CA16608715.